The following is an entry in ClinVar:

ClinVar aggregate classification (germline): Uncertain significance (1 of 4 stars; one submission).

Conditions:
Hereditary cancer-predisposing syndrome. Also called: Hereditary neoplastic syndrome; Neoplastic Syndromes, Hereditary; Tumor predisposition; Hereditary Cancer Syndrome. Identifiers: Orphanet 140162, MedGen C0027672, MeSH D009386, MONDO:0015356.

Submission:

Ambry Genetics
Classification: Uncertain significance for Hereditary cancer-predisposing syndrome. Last evaluated: 2025-03-14. Review status: criteria provided, single submitter. Criteria: Ambry Variant Classification Scheme 2023. Collection method: clinical testing. Allele origin: germline.
Comment: The p.N112I variant (also known as c.335A>T), located in coding exon 2 of the CHEK2 gene, results from an A to T substitution at nucleotide position 335. The asparagine at codon 112 is replaced by isoleucine, an amino acid with dissimilar properties. This amino acid position is not well conserved in available vertebrate species. In addition, this alteration is predicted to be tolerated by in silico analysis. Based on the available evidence, the clinical significance of this variant remains unclear.

NM_007194.4(CHEK2):c.335A>T (p.Asn112Ile)

Gene: CHEK2 (checkpoint kinase 2; minus strand). Cytogenetic location: 22q12.1.
Variant type: single nucleotide variant.
Coding change: c.335A>T on transcript NM_007194.4 (MANE Select); coding-DNA position 335, A replaced by T.
Protein change: p.Asn112Ile; replaces asparagine 112 with isoleucine.
Molecular consequence: missense variant.
Genome position (GRCh38, 1-based): chr22:28,725,352, T>A on the plus strand (A>T on the coding strand, the complement: CHEK2 is on the minus strand). VCF-style: chr22-28725352-T-A. GRCh37 (hg19) VCF-style: chr22-29121340-T-A.
Other names: c.464A>T, p.Asn155Ile (NM_001005735.3); c.-443A>T (NM_001257387.3); c.335A>T, p.Asn112Ile (NM_001349956.3, NM_145862.3); short protein forms N155I, N112I.
Identifiers: ClinVar variation 3832952 (VCV003832952.1).